The following is an entry in ClinVar:

ClinVar aggregate classification (germline): Likely benign (1 of 4 stars; one submission).

gnomAD v4.1: 85 of 1,612,716 alleles (0.0053%); highest among the groups gnomAD compares: Admixed American, 0.13%; no homozygotes.

Submission:

CeGaT Center for Human Genetics Tuebingen
Classification: Likely benign. Last evaluated: 2025-08-01. Review status: criteria provided, single submitter. Criteria: CeGaT Center For Human Genetics Tuebingen Variant Classification Criteria Version 2. Collection method: clinical testing. Allele origin: germline. Affected: yes. Observed: 2 variant alleles.
Comment: RORA: PP3, BS1

NM_134261.3(RORA):c.1456G>C (p.Glu486Gln)

Genes: RORA (RAR related orphan receptor A; minus strand), RORA-AS1 (RORA antisense RNA 1; plus strand). Cytogenetic location: 15q22.2.
Variant type: single nucleotide variant.
Coding change: c.1456G>C on transcript NM_134261.3 (MANE Select); coding-DNA position 1456, G replaced by C.
Protein change: p.Glu486Gln; replaces glutamic acid 486 with glutamine.
Molecular consequence: missense variant.
Genome position (GRCh38, 1-based): chr15:60,497,571, C>G on the plus strand (G>C on the coding strand, the complement: RORA is on the minus strand). VCF-style: chr15-60497571-C-G. GRCh37 (hg19) VCF-style: chr15-60789770-C-G.
Other names: c.1531G>C, p.Glu511Gln (NM_002943.4); c.1555G>C, p.Glu519Gln (NM_134260.3); c.1291G>C, p.Glu431Gln (NM_134262.3); short protein forms E431Q, E486Q, E511Q, E519Q.
Identifiers: ClinVar variation 3778009 (VCV003778009.7).